The following is an entry in ClinVar:

NM_005491.5(MAMLD1):c.1271A>G (p.Gln424Arg)

Gene: MAMLD1 (mastermind like domain containing 1; plus strand). Cytogenetic location: Xq28.
Variant type: single nucleotide variant.
Coding change: c.1271A>G on transcript NM_005491.5 (MANE Select); coding-DNA position 1271, A replaced by G.
Protein change: p.Gln424Arg; replaces glutamine 424 with arginine.
Molecular consequence: missense variant.
Genome position (GRCh38, 1-based): chrX:150,470,844, A>G. VCF-style: chrX-150470844-A-G. GRCh37 (hg19) VCF-style: chrX-149639116-A-G.
Other names: c.1196A>G, p.Gln399Arg (NM_001177465.3, NM_001177466.3, NM_001400514.1); c.1271A>G, p.Gln424Arg (NM_001400512.1, NM_001400513.1, NM_001400515.1); short protein forms Q399R, Q424R.
Identifiers: ClinVar variation 2661631 (VCV002661631.24), dbSNP rs148647178, ClinGen allele CA10538775.

ClinVar aggregate classification (germline): Likely benign (1 of 4 stars; one submission).

Allele frequency attached by ClinVar (database versions not stated): ESP Exome Variant Server 0.00009; gnomAD exomes below 0.00001; ExAC 0.00001; TOPMed 0.00002; gnomAD 0.00004.
gnomAD v4.1: 6 of 1,210,176 alleles (0.0005%); highest among the groups gnomAD compares: African/African-American, 0.01%; no homozygotes.

Submission:

CeGaT Center for Human Genetics Tuebingen
Classification: Likely benign. Last evaluated: 2023-08-01. Review status: criteria provided, single submitter. Criteria: CeGaT Center For Human Genetics Tuebingen Variant Classification Criteria Version 2. Collection method: clinical testing. Allele origin: germline. Affected: yes. Observed: 1 variant allele.
Comment: MAMLD1: BP4